The following is an entry in ClinVar:

NM_024528.4(NKAP):c.845C>T (p.Thr282Ile)

Gene: NKAP (NFKB activating protein; minus strand). Cytogenetic location: Xq24.
Variant type: single nucleotide variant.
Coding change: c.845C>T on transcript NM_024528.4 (MANE Select); coding-DNA position 845, C replaced by T.
Protein change: p.Thr282Ile; replaces threonine 282 with isoleucine.
Molecular consequence: missense variant.
Genome position (GRCh38, 1-based): chrX:119,932,109, G>A on the plus strand (C>T on the coding strand, the complement: NKAP is on the minus strand). VCF-style: chrX-119932109-G-A. GRCh37 (hg19) VCF-style: chrX-119066072-G-A.
Other names: short protein forms T282I.
Identifiers: ClinVar variation 4735684 (VCV004735684.1).

ClinVar aggregate classification (germline): Uncertain significance (1 of 4 stars; one submission).

Submission:

Labcorp Genetics (formerly Invitae), Labcorp
Classification: Uncertain significance. Last evaluated: 2026-01-19. Review status: criteria provided, single submitter. Criteria: Invitae Variant Classification Sherloc (09022015). Collection method: clinical testing. Allele origin: germline.
Comment: This sequence change replaces threonine, which is neutral and polar, with isoleucine, which is neutral and non-polar, at codon 282 of the NKAP protein (p.Thr282Ile). This variant is not present in population databases (gnomAD no frequency). This variant has not been reported in the literature in individuals affected with NKAP-related conditions. Experimental studies and prediction algorithms are not available or were not evaluated, and the functional significance of this variant is currently unknown. In summary, the available evidence is currently insufficient to determine the role of this variant in disease. Therefore, it has been classified as a Variant of Uncertain Significance.